The following is an entry in ClinVar:

ClinVar aggregate classification (germline): Uncertain significance (1 of 4 stars; one submission).

gnomAD v4.1: 5 of 1,611,940 alleles (0.00031%); highest among the groups gnomAD compares: East Asian, 0.0022%; no homozygotes.

Submission:

Labcorp Genetics (formerly Invitae), Labcorp
Classification: Uncertain significance. Last evaluated: 2022-09-02. Review status: criteria provided, single submitter. Criteria: Invitae Variant Classification Sherloc (09022015). Collection method: clinical testing. Allele origin: germline.
Comment: Algorithms developed to predict the effect of missense changes on protein structure and function (SIFT, PolyPhen-2, Align-GVGD) all suggest that this variant is likely to be tolerated. This variant has not been reported in the literature in individuals affected with CTR9-related conditions. The frequency data for this variant in the population databases is considered unreliable, as metrics indicate poor data quality at this position in the gnomAD database. This sequence change replaces alanine, which is neutral and non-polar, with valine, which is neutral and non-polar, at codon 485 of the CTR9 protein (p.Ala485Val). In summary, the available evidence is currently insufficient to determine the role of this variant in disease. Therefore, it has been classified as a Variant of Uncertain Significance.

NM_014633.5(CTR9):c.1454C>T (p.Ala485Val)

Genes: CTR9 (CTR9 component of Paf1/RNA polymerase II complex; plus strand), LOC126861140 (CDK7 strongly-dependent group 2 enhancer GRCh37_chr11:10785333-10786532; plus strand). Cytogenetic location: 11p15.4.
Variant type: single nucleotide variant.
Coding change: c.1454C>T on transcript NM_014633.5 (MANE Select); coding-DNA position 1454, C replaced by T.
Protein change: p.Ala485Val; replaces alanine 485 with valine.
Molecular consequence: missense variant.
Genome position (GRCh38, 1-based): chr11:10,764,588, C>T. VCF-style: chr11-10764588-C-T. GRCh37 (hg19) VCF-style: chr11-10786135-C-T.
Other names: c.1454C>T, p.Ala485Val (NM_001346279.2); short protein forms A485V.
Identifiers: ClinVar variation 2421393 (VCV002421393.7), dbSNP rs1316882752, ClinGen allele CA379667756.